The following is an entry in ClinVar:

NM_000059.4(BRCA2):c.5537T>C (p.Ile1846Thr)

Gene: BRCA2 (BRCA2 DNA repair associated; plus strand). Cytogenetic location: 13q13.1.
Variant type: single nucleotide variant.
Coding change: c.5537T>C on transcript NM_000059.4 (MANE Select); coding-DNA position 5537, T replaced by C.
Protein change: p.Ile1846Thr; replaces isoleucine 1846 with threonine.
Molecular consequence: missense variant.
Genome position (GRCh38, 1-based): chr13:32,339,892, T>C. VCF-style: chr13-32339892-T-C. GRCh37 (hg19) VCF-style: chr13-32914029-T-C.
Other names: short protein forms I1846T.
Identifiers: ClinVar variation 185708 (VCV000185708.24), dbSNP rs763330257, ClinGen allele CA022511.

ClinVar aggregate classification (germline): Conflicting classifications of pathogenicity. Review status: criteria provided, conflicting classifications (1 of 4 stars). 6 submissions from 6 submitters: Uncertain significance (3); Likely benign (3). Last evaluated 2024-05-14.

Conditions:
BRCA2-related cancer predisposition. Identifiers: MedGen CN377758, MONDO:0700269.
Hereditary cancer-predisposing syndrome. Also called: Hereditary Cancer Syndrome; Neoplastic Syndromes, Hereditary; Tumor predisposition; Hereditary neoplastic syndrome. Identifiers: Orphanet 140162, MedGen C0027672, MeSH D009386, MONDO:0015356.
Hereditary breast ovarian cancer syndrome. Also called: Hereditary breast and ovarian cancer; Hereditary breast and ovarian cancer syndrome; Breast and ovarian cancer; Hereditary breast and ovarian cancer syndrome (HBOC); Hereditary breast and/or ovarian cancer syndrome; BRCA1- and BRCA2-Associated Hereditary Breast and Ovarian Cancer. Identifiers: Orphanet 145, MedGen C0677776, MeSH D061325, MONDO:0003582. Disease mechanism: loss of function.
Breast-ovarian cancer, familial, susceptibility to, 2 (BROVCA2). Also called: BRCA2 Hereditary Breast and Ovarian Cancer. Identifiers: Orphanet 145, MedGen C2675520, MONDO:0012933, OMIM 612555. Disease mechanism: loss of function.

Allele frequency attached by ClinVar (database versions not stated): gnomAD exomes below 0.00001; ExAC 0.00001.
gnomAD v4.1: 2 of 1,610,144 alleles (0.00012%); highest among the groups gnomAD compares: South Asian, 0.0011%; no homozygotes.

Submissions (6):

All of Us Research Program, National Institutes of Health
Classification: Uncertain significance for BRCA2-related cancer predisposition. Last evaluated: 2024-05-14. Review status: criteria provided, single submitter. Criteria: ACMG Guidelines, 2015. Collection method: clinical testing. Allele origin: germline. Inheritance: Autosomal dominant inheritance. Observed: 1 variant allele, 1 heterozygote.
Comment: This missense variant replaces isoleucine with threonine at codon 1846 of the BRCA2 protein. Computational prediction suggests that this variant may not impact protein structure and function (internally defined REVEL score threshold <= 0.5, PMID: 27666373). To our knowledge, functional studies have not been reported for this variant. This variant has been reported in 1 individual suspected to be affected with Lynch Syndrome (PMID: 25980754). This variant has been identified in 1/248700 chromosomes in the general population by the Genome Aggregation Database (gnomAD). The available evidence is insufficient to determine the role of this variant in disease conclusively. Therefore, this variant is classified as a Variant of Uncertain Significance.

This study involves interpretation of variants in research participants for the purpose of population health screening. Participant phenotype was not available at the time of variant classification. Additional details can be found in publication PMID: 35346344, PMCID: PMC8962531

Labcorp Genetics (formerly Invitae), Labcorp
Classification: Uncertain significance for Hereditary breast ovarian cancer syndrome. Last evaluated: 2024-03-02. Review status: criteria provided, single submitter. Criteria: Invitae Variant Classification Sherloc (09022015). Collection method: clinical testing. Allele origin: germline.
Comment: This sequence change replaces isoleucine, which is neutral and non-polar, with threonine, which is neutral and polar, at codon 1846 of the BRCA2 protein (p.Ile1846Thr). This variant is present in population databases (rs763330257, gnomAD 0.003%). This missense change has been observed in individual(s) with breast cancer (Invitae). ClinVar contains an entry for this variant (Variation ID: 185708). Advanced modeling of protein sequence and biophysical properties (such as structural, functional, and spatial information, amino acid conservation, physicochemical variation, residue mobility, and thermodynamic stability) performed at Invitae indicates that this missense variant is not expected to disrupt BRCA2 protein function with a negative predictive value of 95%. In summary, the available evidence is currently insufficient to determine the role of this variant in disease. Therefore, it has been classified as a Variant of Uncertain Significance.

Myriad Genetics, Inc.
Classification: Likely benign for Breast-ovarian cancer, familial, susceptibility to, 2. Last evaluated: 2023-04-03. Review status: criteria provided, single submitter. Criteria: Myriad Autosomal Dominant, Autosomal Recessive and X-Linked Classification Criteria (2023). Collection method: clinical testing. Allele origin: unknown.
Comment: This variant is considered likely benign. This variant is strongly associated with less severe personal and family histories of cancer, typical for individuals without pathogenic variants in this gene [PMID: 25085752].

University of Washington Department of Laboratory Medicine, University of Washington
Classification: Likely benign for Hereditary cancer-predisposing syndrome. Last evaluated: 2023-03-23. Review status: criteria provided, single submitter. Criteria: Dines et al. (Genet Med. 2020). Collection method: curation. Allele origin: germline.
Comment: Missense variant in a coldspot region where missense variants are very unlikely to be pathogenic (PMID:31911673).

BRCA2 exon 11 coldspot. Reclassification based on statistical prior probability.

ARUP Laboratories, Molecular Genetics and Genomics, ARUP Laboratories
Classification: Uncertain significance. Last evaluated: 2020-07-08. Review status: criteria provided, single submitter. Criteria: ARUP Molecular Germline Variant Investigation Process. Collection method: clinical testing. Allele origin: germline.
Comment: The BRCA2 c.5537T>C; p.Ile1846Thr variant (rs763330257), to our knowledge, is not reported in the medical literature but is reported in ClinVar (Variation ID: 185708). This variant is found on a single chromosome in the Genome Aggregation Database (1/248700 alleles), indicating it is not a common polymorphism. The isoleucine at codon 1846 is weakly conserved and computational analyses (SIFT, PolyPhen-2) predict that this variant is tolerated. However, due to limited information, the clinical significance of the p.Ile1846Thr variant is uncertain at this time.

Ambry Genetics
Classification: Likely benign for Hereditary cancer-predisposing syndrome. Last evaluated: 2020-02-27. Review status: criteria provided, single submitter. Criteria: Ambry Variant Classification Scheme 2023. Collection method: clinical testing. Allele origin: germline.

Literature cited by the submitters: PubMed 25980754 (cited by All of Us Research Program, National Institutes of Health); PubMed 25085752 (cited by Myriad Genetics, Inc.).